The following is an entry in ClinVar:

ClinVar aggregate classification (germline): Uncertain significance (1 of 4 stars; one submission).

Allele frequency attached by ClinVar (database versions not stated): gnomAD 0.00001; gnomAD exomes 0.00001; TOPMed 0.00001; ESP Exome Variant Server 0.00008.
gnomAD v4.1: 10 of 1,613,952 alleles (0.00062%); highest among the groups gnomAD compares: African/African-American, 0.0013%; no homozygotes.

Submission:

GeneDx
Classification: Uncertain significance. Last evaluated: 2022-06-03. Review status: criteria provided, single submitter. Criteria: GeneDx Variant Classification Process June 2021. Collection method: clinical testing. Allele origin: germline. Affected: yes.
Comment: Not observed at significant frequency in large population cohorts (gnomAD); In silico analysis supports that this missense variant has a deleterious effect on protein structure/function; Has not been previously published as pathogenic or benign to our knowledge

NM_001382430.1(AKT1):c.1100G>A (p.Arg367His)

Gene: AKT1 (AKT serine/threonine kinase 1; minus strand). Cytogenetic location: 14q32.33.
Variant type: single nucleotide variant.
Coding change: c.1100G>A on transcript NM_001382430.1 (MANE Select); coding-DNA position 1100, G replaced by A.
Protein change: p.Arg367His; replaces arginine 367 with histidine.
Molecular consequence: missense variant.
Genome position (GRCh38, 1-based): chr14:104,772,950, C>T on the plus strand (G>A on the coding strand, the complement: AKT1 is on the minus strand). VCF-style: chr14-104772950-C-T. GRCh37 (hg19) VCF-style: chr14-105239287-C-T.
Other names: c.1100G>A, p.Arg367His (NM_001014431.2, NM_001014432.2, NM_001382431.1 and 3 more transcripts); short protein forms R367H.
Identifiers: ClinVar variation 1802059 (VCV001802059.1), dbSNP rs369520527, ClinGen allele CA267349072.